The following is an entry in ClinVar:

NM_001358530.2(MOCS1):c.1468C>T (p.Arg490Trp)

Gene: MOCS1 (molybdenum cofactor synthesis 1; minus strand). Cytogenetic location: 6p21.2.
Variant type: single nucleotide variant.
Coding change: c.1468C>T on transcript NM_001358530.2 (MANE Select); coding-DNA position 1468, C replaced by T.
Protein change: p.Arg490Trp; replaces arginine 490 with tryptophan.
Molecular consequence: missense variant. On other transcripts: 3 prime UTR variant (4), non-coding transcript variant (1).
Genome position (GRCh38, 1-based): chr6:39,906,800, G>A on the plus strand (C>T on the coding strand, the complement: MOCS1 is on the minus strand). VCF-style: chr6-39906800-G-A. GRCh37 (hg19) VCF-style: chr6-39874576-G-A.
Other names: c.*325C>T (NM_001075098.4, NM_001358533.2, NM_001358534.2 and 1 more transcripts); c.1420C>T, p.Arg474Trp (NM_001358529.2); c.1207C>T, p.Arg403Trp (NM_001358531.2); short protein forms R490W, R403W, R474W.
Identifiers: ClinVar variation 802211 (VCV000802211.4), dbSNP rs201889779, ClinGen allele CA3795941.
Genomic context (GRCh38, chr6:39,906,800, plus strand): 5'-CTGAAGCCACAGCCACCCGCTCTGTGTCTGGCTTCCTGCCCACATCTACCATAGCTGCCC[G>A]TCCTTCCGAGTCCACATGAGTTAGTTGTTCTGAGGTTAGCTGGGGTCCTGAGGGGGCAGC-3'
Protein context (NP_001345459.1, residues 480-500): EQLTHVDSEG[Arg490Trp]AAMVDVGRKP

ClinVar aggregate classification (germline): Conflicting classifications of pathogenicity. Review status: criteria provided, conflicting classifications (1 of 4 stars). 2 submissions from 2 submitters: Uncertain significance (1); Likely benign (1). Last evaluated 2022-10-17.

Conditions:
Sulfite oxidase deficiency due to molybdenum cofactor deficiency type A. Also called: Molybdenum cofactor deficiency, complementation group A; Molybdenum Cofactor Deficiency A. Identifiers: Orphanet 308386, Orphanet 833, MedGen C1854988, MONDO:0009643, OMIM 252150.

Allele frequency attached by ClinVar (database versions not stated): TOPMed 0.00003; gnomAD exomes 0.00004 and 0.00005; gnomAD 0.00005 and 0.00006; ExAC 0.00006; ESP Exome Variant Server 0.00015.
gnomAD v4.1: 75 of 1,614,080 alleles (0.0046%); highest among the groups gnomAD compares: Middle Eastern, 0.016%; no homozygotes.

Submissions (2):

Labcorp Genetics (formerly Invitae), Labcorp
Classification: Uncertain significance for Sulfite oxidase deficiency due to molybdenum cofactor deficiency type A. Last evaluated: 2022-10-17. Review status: criteria provided, single submitter. Criteria: Invitae Variant Classification Sherloc (09022015). Collection method: clinical testing. Allele origin: germline.
Comment: This sequence change replaces arginine, which is basic and polar, with tryptophan, which is neutral and slightly polar, at codon 490 of the MOCS1 protein (p.Arg490Trp). This variant is present in population databases (rs201889779, gnomAD 0.02%). This variant has not been reported in the literature in individuals affected with MOCS1-related conditions. ClinVar contains an entry for this variant (Variation ID: 802211). Algorithms developed to predict the effect of missense changes on protein structure and function are either unavailable or do not agree on the potential impact of this missense change (SIFT: "Not Available"; PolyPhen-2: "Probably Damaging"; Align-GVGD: "Not Available"). In summary, the available evidence is currently insufficient to determine the role of this variant in disease. Therefore, it has been classified as a Variant of Uncertain Significance.

Mendelics
Classification: Likely benign for Sulfite oxidase deficiency due to molybdenum cofactor deficiency type A. Last evaluated: 2019-05-28. Review status: criteria provided, single submitter. Criteria: Mendelics Assertion Criteria 2017. Collection method: clinical testing. Allele origin: unknown.